The following is an entry in ClinVar:

NM_001042492.3(NF1):c.95C>A (p.Thr32Asn)

Gene: NF1 (neurofibromin 1; plus strand). Cytogenetic location: 17q11.2.
Variant type: single nucleotide variant.
Coding change: c.95C>A on transcript NM_001042492.3 (MANE Select); coding-DNA position 95, C replaced by A.
Protein change: p.Thr32Asn; replaces threonine 32 with asparagine.
Molecular consequence: missense variant.
Genome position (GRCh38, 1-based): chr17:31,156,017, C>A. VCF-style: chr17-31156017-C-A. GRCh37 (hg19) VCF-style: chr17-29483035-C-A.
Other names: c.95C>A, p.Thr32Asn (NM_000267.4, NM_001128147.3); short protein forms T32N.
Identifiers: ClinVar variation 948830 (VCV000948830.6), dbSNP rs2065655236, ClinGen allele CA398988199.

ClinVar aggregate classification (germline): Uncertain significance (1 of 4 stars; one submission).

Conditions:
Neurofibromatosis, type 1 (NF1). Also called: Peripheral type neurofibromatosis; Neurofibromatosis, type I; VON RECKLINGHAUSEN DISEASE; NEUROFIBROMATOSIS, TYPE I, SOMATIC. Identifiers: Orphanet 636, MedGen C0027831, MONDO:0018975, OMIM 162200. Disease mechanism: loss of function.

Submission:

Labcorp Genetics (formerly Invitae), Labcorp
Classification: Uncertain significance for Neurofibromatosis, type 1. Last evaluated: 2019-06-04. Review status: criteria provided, single submitter. Criteria: Invitae Variant Classification Sherloc (09022015). Collection method: clinical testing. Allele origin: germline.
Comment: This sequence change replaces threonine with asparagine at codon 32 of the NF1 protein (p.Thr32Asn). The threonine residue is highly conserved and there is a small physicochemical difference between threonine and asparagine. This variant is not present in population databases (ExAC no frequency). This variant has not been reported in the literature in individuals with NF1-related conditions. Algorithms developed to predict the effect of missense changes on protein structure and function are either unavailable or do not agree on the potential impact of this missense change (SIFT: "Deleterious"; PolyPhen-2: "Benign"; Align-GVGD: "Class C0"). In summary, the available evidence is currently insufficient to determine the role of this variant in disease. Therefore, it has been classified as a Variant of Uncertain Significance.